The following is an entry in ClinVar:

ClinVar aggregate classification (germline): Uncertain significance. Review status: criteria provided, multiple submitters, no conflicts (2 of 4 stars). 3 submissions from 3 submitters: Uncertain significance (3). Last evaluated 2025-02-19.

Conditions:
Hereditary cancer-predisposing syndrome. Also called: Neoplastic Syndromes, Hereditary; Hereditary Cancer Syndrome; Hereditary neoplastic syndrome; Tumor predisposition. Identifiers: Orphanet 140162, MedGen C0027672, MeSH D009386, MONDO:0015356.
Familial cancer of breast. Also called: Hereditary breast cancer; hereditary breast carcinoma; BREAST CANCER, FAMILIAL. Identifiers: Orphanet 227535, MedGen C0346153, MONDO:0016419, OMIM 114480. Disease mechanism: loss of function.
Fanconi anemia complementation group J. Also called: BRIP1-Related Fanconi Anemia. Identifiers: Orphanet 84, MedGen C1836860, MONDO:0012187, OMIM 609054.

Submissions (3):

Labcorp Genetics (formerly Invitae), Labcorp
Classification: Uncertain significance for Familial cancer of breast; Fanconi anemia complementation group J. Last evaluated: 2025-02-19. Review status: criteria provided, single submitter. Criteria: Invitae Variant Classification Sherloc (09022015). Collection method: clinical testing. Allele origin: germline.
Comment: This sequence change replaces glutamic acid, which is acidic and polar, with isoleucine, which is neutral and non-polar, at codon 1203 of the BRIP1 protein (p.Glu1203Ile). This variant is present in population databases (rs587782615, gnomAD 0.003%). This variant has not been reported in the literature in individuals affected with BRIP1-related conditions. ClinVar contains an entry for this variant (Variation ID: 142651). An algorithm developed to predict the effect of missense changes on protein structure and function (PolyPhen-2) suggests that this variant is likely to be tolerated. In summary, the available evidence is currently insufficient to determine the role of this variant in disease. Therefore, it has been classified as a Variant of Uncertain Significance.

Women's Health and Genetics/Laboratory Corporation of America, LabCorp
Classification: Uncertain significance. Last evaluated: 2019-06-28. Review status: criteria provided, single submitter. Criteria: LabCorp Variant Classification Summary - May 2015. Collection method: clinical testing. Allele origin: germline.
Comment: Variant summary: BRIP1 c.3607_3608delinsAT (p.Glu1203Ile) results in a non-conservative amino acid change in the encoded protein sequence. Two of four in-silico tools predict a benign effect of the variant on protein function. The variant allele was found at a frequency of 3.2e-05 in 31384 control chromosomes (gnomAD). The available data on variant occurrences in the general population are insufficient to allow any conclusion about variant significance. To our knowledge, no occurrence of c.3607_3608delinsAT in individuals affected with Breast Cancer and no experimental evidence demonstrating its impact on protein function have been reported. No clinical diagnostic laboratories have submitted clinical-significance assessments for this variant to ClinVar after 2014. Based on the evidence outlined above, the variant was classified as uncertain significance.

Ambry Genetics
Classification: Uncertain significance for Hereditary cancer-predisposing syndrome. Last evaluated: 2014-03-17. Review status: criteria provided, single submitter. Criteria: Ambry Autosomal Dominant and X-Linked criteria (10/2015). Collection method: clinical testing. Allele origin: germline. Observed: 1 variant allele.
Comment: The c.3607_3608delGAinsAT variant, located in coding exon 19 of the BRIP1 gene, results from a deletion of GA and insertion of AT at nucleotide positions 3607 and 3608. This results in the substitution of the glutamic acid residue for an isoleucine residue (an amino acid with dissimilar properties) at codon 1203. This variant was not reported in population based cohorts in the following databases: Database of Single Nucleotide Polymorphisms (dbSNP), NHLBI Exome Sequencing Project (ESP), and 1000 Genomes Project. To date, this alteration has been detected with an allele frequency of approximately 0.006% (greater than 15000 alleles tested) in our clinical cohort (includes this individual). This amino acid position is well conserved in available vertebrate species. Since supporting evidence is limited at this time, the clinical significance of c.3607_3608delGAinsAT remains unclear.

NM_032043.3(BRIP1):c.3607_3608delinsAT (p.Glu1203Ile)

Gene: BRIP1 (BRCA1 interacting DNA helicase 1; minus strand). Cytogenetic location: 17q23.2.
Variant type: Indel.
Coding change: c.3607_3608delinsAT on transcript NM_032043.3 (MANE Select); coding-DNA positions 3607 to 3608, GA replaced by AT.
Protein change: p.Glu1203Ile; replaces glutamic acid 1203 with isoleucine.
Molecular consequence: missense variant.
Genome position (GRCh38, 1-based): chr17:61,683,438-61,683,439, TC replaced by AT on the plus strand (GA replaced by AT on the coding strand, the reverse complement: BRIP1 is on the minus strand). VCF-style: chr17-61683438-TC-AT. GRCh37 (hg19) VCF-style: chr17-59760799-TC-AT.
Other names: c.3607_3608delGAinsAT (NM_032043.2); short protein forms E1203I.
Identifiers: ClinVar variation 142651 (VCV000142651.5), dbSNP rs587782615, ClinGen allele CA169027.
Genomic context (GRCh38, chr17:61,683,438, plus strand): 5'-AGTTCCAGTTCATTTATCCAAGTTGTTTTTACATTACCATCAATGTCATCAATTTTACTT[TC>AT]TTCAATATGCAGAATTCCATTCAACTTTGTATCTATGCAATCCTCAGCTTTCACTTCTCT-3'
Protein context (NP_114432.2, residues 1193-1213): TKLNGILHIE[Glu1203Ile]SKIDDIDGNV